The following is an entry in ClinVar:

NM_001353345.2(SETD1B):c.4315C>G (p.Pro1439Ala)

Gene: SETD1B (SET domain containing 1B, histone lysine methyltransferase; plus strand). Cytogenetic location: 12q24.31.
Variant type: single nucleotide variant.
Coding change: c.4315C>G on transcript NM_001353345.2 (MANE Select); coding-DNA position 4315, C replaced by G.
Protein change: p.Pro1439Ala; replaces proline 1439 with alanine.
Molecular consequence: missense variant.
Genome position (GRCh38, 1-based): chr12:121,822,894, C>G. VCF-style: chr12-121822894-C-G. GRCh37 (hg19) VCF-style: chr12-122260800-C-G.
Other names: short protein forms P1439A.
Identifiers: ClinVar variation 1339943 (VCV001339943.4), dbSNP rs2137578401, ClinGen allele CA386998777.

ClinVar aggregate classification (germline): Uncertain significance (1 of 4 stars; one submission).

Conditions:
Intellectual developmental disorder with seizures and language delay (IDDSELD). Identifiers: MedGen C5436574, MONDO:0033559, OMIM 619000.

Allele frequency attached by ClinVar (database versions not stated): gnomAD exomes below 0.00001.
gnomAD v4.1: 1 of 1,492,230 alleles (0.000067%); highest among the groups gnomAD compares: Non-Finnish European, 0.00009%; no homozygotes.

Submission:

GeneDx
Classification: Uncertain significance. Last evaluated: 2022-05-27. Review status: criteria provided, single submitter. Criteria: GeneDx Variant Classification Process June 2021. Collection method: clinical testing. Allele origin: germline. Affected: yes.
Comment: Has not been previously published as pathogenic or benign to our knowledge; Not observed at significant frequency in large population cohorts (gnomAD); In silico analysis supports that this missense variant has a deleterious effect on protein structure/function; This variant is associated with the following publications: (PMID: 27535533)